The following is an entry in ClinVar:

ClinVar aggregate classification (germline): Uncertain significance (1 of 4 stars; one submission).

Conditions:
Familial thoracic aortic aneurysm and aortic dissection (TAAD). Also called: Thoracic aortic aneurysms and dissections. Identifiers: Orphanet 91387, MedGen C4707243, MONDO:0019625.

gnomAD v4.1: 12 of 1,613,800 alleles (0.00074%); highest among the groups gnomAD compares: Non-Finnish European, 0.001%; no homozygotes.

Submission:

All of Us Research Program, National Institutes of Health
Classification: Uncertain significance for Familial thoracic aortic aneurysm and aortic dissection. Last evaluated: 2024-05-30. Review status: criteria provided, single submitter. Criteria: ACMG Guidelines, 2015. Collection method: clinical testing. Allele origin: germline. Inheritance: Autosomal dominant inheritance. Observed: 1 variant allele, 1 heterozygote.
Comment: This variant changes one nucleotide in the 5' untranslated region in the MYH11 protein. To our knowledge, functional studies have not been reported for this variant. This variant has not been reported in individuals affected with MYH11-related disorders in the literature. This variant has been identified in 1/248948 chromosomes in the general population by the Genome Aggregation Database (gnomAD). The available evidence is insufficient to determine the role of this variant in disease conclusively. Therefore, this variant is classified as a Variant of Uncertain Significance.

This study involves interpretation of variants in research participants for the purpose of population health screening. Participant phenotype was not available at the time of variant classification. Additional details can be found in publication PMID: 35346344, PMCID: PMC8962531

NM_002474.3(MYH11):c.-5G>A

Gene: MYH11 (myosin heavy chain 11; minus strand). Cytogenetic location: 16p13.11.
Variant type: single nucleotide variant.
Coding change: c.-5G>A on transcript NM_002474.3 (MANE Select); 5 bases upstream of the start codon, G replaced by A.
Molecular consequence: 5 prime UTR variant.
Genome position (GRCh38, 1-based): chr16:15,838,257, C>T on the plus strand (G>A on the coding strand, the complement: MYH11 is on the minus strand). VCF-style: chr16-15838257-C-T. GRCh37 (hg19) VCF-style: chr16-15932114-C-T.
Other names: c.-5G>A (NM_001040113.2, NM_001040114.2, NM_022844.3).
Identifiers: ClinVar variation 3387273 (VCV003387273.1).